The following is an entry in ClinVar:

NM_173689.7(CRB2):c.951C>A (p.Cys317Ter)

Gene: CRB2 (crumbs cell polarity complex component 2; plus strand). Cytogenetic location: 9q33.3.
Variant type: single nucleotide variant.
Coding change: c.951C>A on transcript NM_173689.7 (MANE Select); coding-DNA position 951, C replaced by A.
Protein change: p.Cys317Ter; replaces cysteine 317 with a stop codon.
Molecular consequence: nonsense.
Genome position (GRCh38, 1-based): chr9:123,367,583, C>A. VCF-style: chr9-123367583-C-A. GRCh37 (hg19) VCF-style: chr9-126129862-C-A.
Other names: short protein forms C317*.
Identifiers: ClinVar variation 2957210 (VCV002957210.3), dbSNP rs774871506, ClinGen allele CA374859801.

ClinVar aggregate classification (germline): Pathogenic (1 of 4 stars; one submission).

gnomAD v4.1: 29 of 1,557,382 alleles (0.0019%); highest among the groups gnomAD compares: Middle Eastern, 0.019%; no homozygotes.

Submission:

Labcorp Genetics (formerly Invitae), Labcorp
Classification: Pathogenic. Last evaluated: 2023-10-13. Review status: criteria provided, single submitter. Criteria: Invitae Variant Classification Sherloc (09022015). Collection method: clinical testing. Allele origin: germline.
Comment: This sequence change creates a premature translational stop signal (p.Cys317*) in the CRB2 gene. It is expected to result in an absent or disrupted protein product. Loss-of-function variants in CRB2 are known to be pathogenic (PMID: 27942854, 30212996). The frequency data for this variant in the population databases is considered unreliable, as metrics indicate poor data quality at this position in the gnomAD database. This variant has not been reported in the literature in individuals affected with CRB2-related conditions. Algorithms developed to predict the effect of sequence changes on RNA splicing suggest that this variant may disrupt the consensus splice site. For these reasons, this variant has been classified as Pathogenic.

Literature cited by the submitters: PubMed 27942854; PubMed 30212996.